The following is an entry in ClinVar:

ClinVar aggregate classification (germline): Benign. Review status: criteria provided, multiple submitters, no conflicts (2 of 4 stars). 2 submissions from 2 submitters: Benign (2). Last evaluated 2018-01-13.

Conditions:
Hypogonadotropic hypogonadism 24 without anosmia (HH24). Also called: HYPOGONADOTROPIC HYPOGONADISM 24 WITH OR WITHOUT ANOSMIA; Follicle-stimulating hormone deficiency, isolated. Identifiers: Orphanet 52901, MedGen C5574957, MONDO:0009239, OMIM 229070.

Allele frequency attached by ClinVar (database versions not stated): TOPMed 0.49552; gnomAD 0.48895; 1000 Genomes Project 30x 0.55653; 1000 Genomes Project 0.55871.
gnomAD v4.1: 82,420 of 167,936 alleles (49%); highest among the groups gnomAD compares: East Asian, 67%; 20,533 homozygotes.

Submissions (2):

Illumina Laboratory Services, Illumina
Classification: Benign for Hypogonadotropic hypogonadism 24 without anosmia. Last evaluated: 2018-01-13. Review status: criteria provided, single submitter. Criteria: ICSL Variant Classification Criteria 13 December 2019. Collection method: clinical testing. Allele origin: germline.
Comment: This variant was observed in the ICSL laboratory as part of a predisposition screen in an ostensibly healthy population. It had not been previously curated by ICSL or reported in the Human Gene Mutation Database (HGMD: prior to June 1st, 2018), and was therefore a candidate for classification through an automated scoring system. Utilizing variant allele frequency, disease prevalence and penetrance estimates, and inheritance mode, an automated score was calculated to assess if this variant is too frequent to cause the disease. Based on the score and internal cut-off values, a variant classified as benign is not then subjected to further curation. The score for this variant resulted in a classification of benign for this disease.

Breakthrough Genomics
Classification: Benign. Review status: criteria provided, single submitter. Criteria: ACMG Guidelines, 2015. Collection method: not provided. Allele origin: germline. Inheritance: Autosomal recessive inheritance. Affected: yes.

NM_001382289.1(FSHB):c.*520C>G

Genes: ARL14EP-DT (ARL14EP divergent transcript; minus strand), FSHB (follicle stimulating hormone subunit beta; plus strand). Cytogenetic location: 11p14.1.
Variant type: single nucleotide variant.
Coding change: c.*520C>G on transcript NM_001382289.1 (MANE Select); 520 bases downstream of the stop codon, C replaced by G.
Molecular consequence: 3 prime UTR variant.
Genome position (GRCh38, 1-based): chr11:30,234,320, C>G. VCF-style: chr11-30234320-C-G. GRCh37 (hg19) VCF-style: chr11-30255867-C-G.
Other names: c.*520C>G (NM_000510.4, NM_001018080.3).
Identifiers: ClinVar variation 304281 (VCV000304281.6), dbSNP rs506306, ClinGen allele CA10630721.
Genomic context (GRCh38, chr11:30,234,320, plus strand): 5'-TAGAAACACAACAATGACTTCTTTAGATCAGAAAGGTCAAGGGTAGAAAATACTGGAAGA[C>G]GATGTTTGAGGTAAGCTGATGAGGCTGCCCGCAGCCACACCAGTCCCATGAAAGTTAGTG-3'